The following is an entry in ClinVar:

NM_003978.5(PSTPIP1):c.1119+5G>A

Gene: PSTPIP1 (proline-serine-threonine phosphatase interacting protein 1; plus strand). Cytogenetic location: 15q24.3.
Variant type: single nucleotide variant.
Coding change: c.1119+5G>A on transcript NM_003978.5 (MANE Select); 5 bases into the intron after coding-DNA position 1119, G replaced by A.
Molecular consequence: intron variant.
Genome position (GRCh38, 1-based): chr15:77,035,940, G>A. VCF-style: chr15-77035940-G-A. GRCh37 (hg19) VCF-style: chr15-77328281-G-A.
Other names: c.1119+5G>A (LRG_172t1, NM_003978.4); c.1314+5G>A (NM_001321137.1); c.1092+5G>A (NM_001321136.2); c.1062+5G>A (NM_001321135.2).
Identifiers: ClinVar variation 651888 (VCV000651888.10), dbSNP rs756068066, ClinGen allele CA7676170.

ClinVar aggregate classification (germline): Uncertain significance. Review status: criteria provided, multiple submitters, no conflicts (2 of 4 stars). 3 submissions from 3 submitters: Uncertain significance (2). 1 of the submissions does not count toward it. Last evaluated 2026-03-18.

Conditions:
PSTPIP1-related disorder. Also called: PSTPIP1-related condition.
Pyogenic arthritis-pyoderma gangrenosum-acne syndrome (PAPA). Also called: FAMILIAL RECURRENT ARTHRITIS; PAPA SYNDROME. Identifiers: Orphanet 69126, MedGen C1858361, MONDO:0011462, OMIM 604416.

Allele frequency attached by ClinVar (database versions not stated): TOPMed 0.00008.
gnomAD v4.1: 40 of 1,592,718 alleles (0.0025%); highest among the groups gnomAD compares: Admixed American, 0.01%; no homozygotes.

Submissions (3):

GeneDx
Classification: Uncertain significance. Last evaluated: 2026-03-18. Review status: criteria provided, single submitter. Criteria: GeneDx Variant Classification Process June 2021. Collection method: clinical testing. Allele origin: germline.
Comment: In silico analysis suggests that this variant does not alter splicing; Has not been previously published as pathogenic or benign to our knowledge

Labcorp Genetics (formerly Invitae), Labcorp
Classification: Uncertain significance for Pyogenic arthritis-pyoderma gangrenosum-acne syndrome. Last evaluated: 2026-01-12. Review status: criteria provided, single submitter. Criteria: Invitae Variant Classification Sherloc (09022015). Collection method: clinical testing. Allele origin: germline.
Comment: This sequence change falls in intron 14 of the PSTPIP1 gene. It does not directly change the encoded amino acid sequence of the PSTPIP1 protein. It affects a nucleotide within the consensus splice site. This variant is present in population databases (rs756068066, gnomAD 0.01%). This variant has not been reported in the literature in individuals affected with PSTPIP1-related conditions. ClinVar contains an entry for this variant (Variation ID: 651888). Variants that disrupt the consensus splice site are a relatively common cause of aberrant splicing (PMID: 17576681, 9536098). Algorithms developed to predict the effect of sequence changes on RNA splicing suggest that this variant is not likely to affect RNA splicing. In summary, the available evidence is currently insufficient to determine the role of this variant in disease. Therefore, it has been classified as a Variant of Uncertain Significance.

PreventionGenetics, part of Exact Sciences
Classification: Likely benign for PSTPIP1-related condition. Last evaluated: 2024-08-27. Review status: no assertion criteria provided. Collection method: clinical testing. Allele origin: germline. Not counted in ClinVar's aggregate classification.
Comment: This variant is classified as likely benign based on ACMG/AMP sequence variant interpretation guidelines (Richards et al. 2015 PMID: 25741868, with internal and published modifications).

Literature cited by the submitters: PubMed 17576681 (cited by Labcorp Genetics (formerly Invitae), Labcorp); PubMed 9536098 (cited by Labcorp Genetics (formerly Invitae), Labcorp).